The following is an entry in ClinVar:

NM_182961.4(SYNE1):c.15620A>G (p.Glu5207Gly)

Gene: SYNE1 (spectrin repeat containing nuclear envelope protein 1; minus strand). Cytogenetic location: 6q25.2.
Variant type: single nucleotide variant.
Coding change: c.15620A>G on transcript NM_182961.4 (MANE Select); coding-DNA position 15620, A replaced by G.
Protein change: p.Glu5207Gly; replaces glutamic acid 5207 with glycine.
Molecular consequence: missense variant.
Genome position (GRCh38, 1-based): chr6:152,325,121, T>C on the plus strand (A>G on the coding strand, the complement: SYNE1 is on the minus strand). VCF-style: chr6-152325121-T-C. GRCh37 (hg19) VCF-style: chr6-152646256-T-C.
Other names: c.15407A>G, p.Glu5136Gly (NM_033071.5); short protein forms E5207G, E5136G.
Identifiers: ClinVar variation 2080455 (VCV002080455.1), dbSNP rs774518586, ClinGen allele CA4055737.
Genomic context (GRCh38, chr6:152,325,121, plus strand): 5'-AGCCCATGGACAGTGGAAACTACCTTGTTGTTAAAGCCCGTCCACTCATCCACTGCATCT[T>C]CCAGGATCTTCTCCTGGTCCTGGGCCACAGCTCGAAGGCGTGTCCAGCGCTGCCAGACGG-3'
Protein context (NP_892006.3, residues 5197-5217): AVAQDQEKIL[Glu5207Gly]DAVDEWTGFN

ClinVar aggregate classification (germline): Uncertain significance (1 of 4 stars; one submission).

Conditions:
Emery-Dreifuss muscular dystrophy 4, autosomal dominant (EDMD4). Also called: EMERY-DREIFUSS MUSCULAR DYSTROPHY 4 WITH VARIABLE FEATURES. Identifiers: Orphanet 261, MedGen C2751807, MONDO:0013071, OMIM 612998.
Autosomal recessive ataxia, Beauce type. Also called: SYNE1 Deficiency; Spinocerebellar ataxia, autosomal recessive 8; ATAXIA, RECESSIVE, OF BEAUCE; SYNE1-Related Autosomal Recessive Cerebellar Ataxia. Identifiers: Orphanet 88644, MedGen C1853116, MONDO:0012549, OMIM 610743.

Allele frequency attached by ClinVar (database versions not stated): gnomAD exomes below 0.00001; ExAC 0.00001; gnomAD 0.00001; TOPMed 0.00003.
gnomAD v4.1: 8 of 1,614,080 alleles (0.0005%); highest among the groups gnomAD compares: Middle Eastern, 0.016%; no homozygotes.

Submission:

Labcorp Genetics (formerly Invitae), Labcorp
Classification: Uncertain significance for Emery-Dreifuss muscular dystrophy 4, autosomal dominant; Autosomal recessive ataxia, Beauce type. Last evaluated: 2022-08-22. Review status: criteria provided, single submitter. Criteria: Invitae Variant Classification Sherloc (09022015). Collection method: clinical testing. Allele origin: germline.
Comment: This sequence change replaces glutamic acid, which is acidic and polar, with glycine, which is neutral and non-polar, at codon 5136 of the SYNE1 protein (p.Glu5136Gly). This variant is present in population databases (rs774518586, gnomAD 0.0009%). This variant has not been reported in the literature in individuals affected with SYNE1-related conditions. Algorithms developed to predict the effect of missense changes on protein structure and function are either unavailable or do not agree on the potential impact of this missense change (SIFT: "Deleterious"; PolyPhen-2: "Benign"; Align-GVGD: "Class C15"). In summary, the available evidence is currently insufficient to determine the role of this variant in disease. Therefore, it has been classified as a Variant of Uncertain Significance.